The following is an entry in ClinVar:

ClinVar aggregate classification (germline): Conflicting classifications of pathogenicity. Review status: criteria provided, conflicting classifications (1 of 4 stars). 3 submissions from 3 submitters: Uncertain significance (1); Likely benign (2). Last evaluated 2026-04-29.

Conditions:
DYNC1H1-related disorder. Also called: DYNC1H1-related condition; DYNC1H1-related disorders. Identifiers: MedGen CN381529.
Charcot-Marie-Tooth disease axonal type 2O. Also called: Charcot-Marie-Tooth Neuropathy Type 2O; CHARCOT-MARIE-TOOTH NEUROPATHY, AXONAL, TYPE 2O; CHARCOT-MARIE-TOOTH DISEASE, AXONAL, AUTOSOMAL DOMINANT, TYPE 2O; Charcot-Marie-Tooth disease, axonal, type 20. Identifiers: Orphanet 284232, MedGen C3280220, MONDO:0013644, OMIM 614228.

Allele frequency attached by ClinVar (database versions not stated): gnomAD 0.00003; ESP Exome Variant Server 0.00008.
gnomAD v4.1: 46 of 1,614,014 alleles (0.0029%); highest among the groups gnomAD compares: Middle Eastern, 0.033%; no homozygotes.

Submissions (3):

PreventionGenetics, part of Exact Sciences
Classification: Likely benign for DYNC1H1-related condition. Last evaluated: 2026-04-29. Review status: criteria provided, single submitter. Criteria: ACMG Guidelines, 2015. Collection method: clinical testing. Allele origin: germline.
Comment: This variant is classified as likely benign based on ACMG/AMP sequence variant interpretation guidelines (Richards et al. 2015 PMID: 25741868, with internal and published modifications).

Labcorp Genetics (formerly Invitae), Labcorp
Classification: Likely benign for Charcot-Marie-Tooth disease axonal type 2O. Last evaluated: 2025-10-02. Review status: criteria provided, single submitter. Criteria: Invitae Variant Classification Sherloc (09022015). Collection method: clinical testing. Allele origin: germline.

CeGaT Center for Human Genetics Tuebingen
Classification: Uncertain significance. Last evaluated: 2016-05-01. Review status: criteria provided, single submitter. Criteria: CeGaT Center For Human Genetics Tuebingen Variant Classification Criteria Version 2. Collection method: clinical testing. Allele origin: germline. Affected: yes. Observed: 1 variant allele.

NM_001376.5(DYNC1H1):c.12441C>T (p.Phe4147=)

Gene: DYNC1H1 (dynein cytoplasmic 1 heavy chain 1; plus strand). Cytogenetic location: 14q32.31.
Variant type: single nucleotide variant.
Coding change: c.12441C>T on transcript NM_001376.5 (MANE Select); coding-DNA position 12441, C replaced by T.
Protein change: p.Phe4147=; no amino-acid change (phenylalanine 4147 retained).
Molecular consequence: synonymous variant.
Genome position (GRCh38, 1-based): chr14:102,042,676, C>T. VCF-style: chr14-102042676-C-T. GRCh37 (hg19) VCF-style: chr14-102509013-C-T.
Identifiers: ClinVar variation 539808 (VCV000539808.55), dbSNP rs146075696, ClinGen allele CA7353932.
Genomic context (GRCh38, chr14:102,042,676, plus strand): 5'-GAACGGCGCTCTCCCTTAGGTGCCTGTGAATCTGCTCCGTGCGGGCCGCATCTTTGTGTT[C>T]GAGCCACCGCCAGGGGTGAAGGCCAACATGCTGAGGACGTTCAGCAGCATTCCCGTCTCA-3'
Protein context (NP_001367.2, residues 4137-4157): NLLRAGRIFV[Phe4147=]EPPPGVKANM